The following is an entry in ClinVar:

ClinVar aggregate classification (germline): Uncertain significance. Review status: criteria provided, multiple submitters, no conflicts (2 of 4 stars). 3 submissions from 3 submitters: Uncertain significance (3). Last evaluated 2025-10-30.

Conditions:
Inborn genetic diseases. Identifiers: MedGen C0950123, MeSH D030342.
Kleefstra syndrome 1 (KLEFS1). Identifiers: Orphanet 261494, MedGen C0795833, MONDO:0027407, OMIM 610253.

gnomAD v4.1: 5 of 1,614,082 alleles (0.00031%); highest among the groups gnomAD compares: Non-Finnish European, 0.00042%; no homozygotes.

Submissions (3):

Ambry Genetics
Classification: Uncertain significance for Inborn genetic diseases. Last evaluated: 2025-10-30. Review status: criteria provided, single submitter. Criteria: Ambry Variant Classification Scheme 2023. Collection method: clinical testing. Allele origin: germline.

Labcorp Genetics (formerly Invitae), Labcorp
Classification: Uncertain significance for Kleefstra syndrome 1. Last evaluated: 2025-05-05. Review status: criteria provided, single submitter. Criteria: Invitae Variant Classification Sherloc (09022015). Collection method: clinical testing. Allele origin: germline.
Comment: This sequence change replaces methionine, which is neutral and non-polar, with leucine, which is neutral and non-polar, at codon 480 of the EHMT1 protein (p.Met480Leu). This variant is not present in population databases (gnomAD no frequency). This variant has not been reported in the literature in individuals affected with EHMT1-related conditions. ClinVar contains an entry for this variant (Variation ID: 1376000). An algorithm developed to predict the effect of missense changes on protein structure and function (PolyPhen-2) suggests that this variant is likely to be tolerated. In summary, the available evidence is currently insufficient to determine the role of this variant in disease. Therefore, it has been classified as a Variant of Uncertain Significance.

GeneDx
Classification: Uncertain significance. Last evaluated: 2024-06-03. Review status: criteria provided, single submitter. Criteria: GeneDx Variant Classification Process June 2021. Collection method: clinical testing. Allele origin: germline. Affected: yes.
Comment: Not observed at significant frequency in large population cohorts (gnomAD); In silico analysis indicates that this missense variant does not alter protein structure/function; Has not been previously published as pathogenic or benign to our knowledge

NM_024757.5(EHMT1):c.1438A>T (p.Met480Leu)

Gene: EHMT1 (euchromatic histone lysine methyltransferase 1; plus strand). Cytogenetic location: 9q34.3.
Variant type: single nucleotide variant.
Coding change: c.1438A>T on transcript NM_024757.5 (MANE Select); coding-DNA position 1438, A replaced by T.
Protein change: p.Met480Leu; replaces methionine 480 with leucine.
Molecular consequence: missense variant.
Genome position (GRCh38, 1-based): chr9:137,757,948, A>T. VCF-style: chr9-137757948-A-T. GRCh37 (hg19) VCF-style: chr9-140652400-A-T.
Other names: c.1438A>T, p.Met480Leu (NM_001145527.2, NM_001354611.2); c.1345A>T, p.Met449Leu (NM_001354259.2, NM_001354612.2); c.1417A>T, p.Met473Leu (NM_001354263.2); c.1438A>T (NM_024757.4); short protein forms M473L, M449L, M480L.
Identifiers: ClinVar variation 1376000 (VCV001376000.8), dbSNP rs150398744, ClinGen allele CA375766123.